The following is an entry in ClinVar:

ClinVar aggregate classification (germline): Uncertain significance. Review status: criteria provided, multiple submitters, no conflicts (2 of 4 stars). 2 submissions from 2 submitters: Uncertain significance (2). Last evaluated 2021-10-13.

Conditions:
Hereditary cancer-predisposing syndrome. Also called: Neoplastic Syndromes, Hereditary; Tumor predisposition; Hereditary neoplastic syndrome; Hereditary Cancer Syndrome. Identifiers: Orphanet 140162, MedGen C0027672, MeSH D009386, MONDO:0015356.

Submissions (2):

Ambry Genetics
Classification: Uncertain significance for Hereditary cancer-predisposing syndrome. Last evaluated: 2021-10-13. Review status: criteria provided, single submitter. Criteria: Ambry Variant Classification Scheme 2023. Collection method: clinical testing. Allele origin: germline.
Comment: The p.E490K variant (also known as c.1468G>A), located in coding exon 4 of the MSH6 gene, results from a G to A substitution at nucleotide position 1468. The glutamic acid at codon 490 is replaced by lysine, an amino acid with similar properties. This amino acid position is well conserved in available vertebrate species. In addition, this alteration is predicted to be deleterious by in silico analysis. Since supporting evidence is limited at this time, the clinical significance of this alteration remains unclear.

Color Diagnostics, LLC DBA Color Health
Classification: Uncertain significance for Hereditary cancer-predisposing syndrome. Last evaluated: 2018-08-08. Review status: criteria provided, single submitter. Criteria: ACMG Guidelines, 2015. Collection method: clinical testing. Allele origin: germline.

NM_000179.3(MSH6):c.1468G>A (p.Glu490Lys)

Gene: MSH6 (mutS homolog 6; plus strand). Cytogenetic location: 2p16.3.
Variant type: single nucleotide variant.
Coding change: c.1468G>A on transcript NM_000179.3 (MANE Select); coding-DNA position 1468, G replaced by A.
Protein change: p.Glu490Lys; replaces glutamic acid 490 with lysine.
Molecular consequence: missense variant.
Genome position (GRCh38, 1-based): chr2:47,799,451, G>A. VCF-style: chr2-47799451-G-A. GRCh37 (hg19) VCF-style: chr2-48026590-G-A.
Other names: c.1078G>A, p.Glu360Lys (NM_001281492.2); c.562G>A, p.Glu188Lys (NM_001281493.2, NM_001281494.2); short protein forms E490K, E188K, E360K.
Identifiers: ClinVar variation 629001 (VCV000629001.4), dbSNP rs1558661782, ClinGen allele CA346745855.